The following is an entry in ClinVar:

NM_004958.4(MTOR):c.5462G>C (p.Ser1821Thr)

Gene: MTOR (mechanistic target of rapamycin kinase; minus strand). Cytogenetic location: 1p36.22.
Variant type: single nucleotide variant.
Coding change: c.5462G>C on transcript NM_004958.4 (MANE Select); coding-DNA position 5462, G replaced by C.
Protein change: p.Ser1821Thr; replaces serine 1821 with threonine.
Molecular consequence: missense variant.
Genome position (GRCh38, 1-based): chr1:11,130,680, C>G on the plus strand (G>C on the coding strand, the complement: MTOR is on the minus strand). VCF-style: chr1-11130680-C-G. GRCh37 (hg19) VCF-style: chr1-11190737-C-G.
Other names: c.5462G>C, p.Ser1821Thr (NM_001386500.1); c.4214G>C, p.Ser1405Thr (NM_001386501.1); short protein forms S1821T, S1405T.
Identifiers: ClinVar variation 1500643 (VCV001500643.9), dbSNP rs1278874733, ClinGen allele CA338398575.

ClinVar aggregate classification (germline): Conflicting classifications of pathogenicity. Review status: criteria provided, conflicting classifications (1 of 4 stars). 2 submissions from 2 submitters: Uncertain significance (1); Benign (1). Last evaluated 2024-10-24.

Allele frequency attached by ClinVar (database versions not stated): gnomAD exomes 0.00001.
gnomAD v4.1: 4 of 1,611,148 alleles (0.00025%); highest among the groups gnomAD compares: South Asian, 0.0022%; no homozygotes.

Submissions (2):

Labcorp Genetics (formerly Invitae), Labcorp
Classification: Benign. Last evaluated: 2024-10-24. Review status: criteria provided, single submitter. Criteria: Invitae Variant Classification Sherloc (09022015). Collection method: clinical testing. Allele origin: germline.

Women's Health and Genetics/Laboratory Corporation of America, LabCorp
Classification: Uncertain significance. Last evaluated: 2024-07-24. Review status: criteria provided, single submitter. Criteria: LabCorp Variant Classification Summary - May 2015. Collection method: clinical testing. Allele origin: germline.
Comment: Variant summary: MTOR c.5462G>C (p.Ser1821Thr) results in a conservative amino acid change located in the PIK-related kinase, FAT (IPR003151) of the encoded protein sequence. Four of five in-silico tools predict a benign effect of the variant on protein function. The variant allele was found at a frequency of 1.2e-05 in 240366 control chromosomes. The available data on variant occurrences in the general population are insufficient to allow any conclusion about variant significance. To our knowledge, no occurrence of c.5462G>C in individuals affected with Smith-Kingsmore Syndrome and no experimental evidence demonstrating its impact on protein function have been reported. ClinVar contains an entry for this variant (Variation ID: 1500643). Based on the evidence outlined above, the variant was classified as uncertain significance.